The following is an entry in ClinVar:

ClinVar aggregate classification (germline): Likely pathogenic (1 of 4 stars; one submission).

Conditions:
Nemaline myopathy. Also called: Myopathies, Nemaline. Identifiers: Orphanet 607, MedGen C0206157, MONDO:0018958.

Submission:

Broad Center for Mendelian Genomics, Broad Institute of MIT and Harvard
Classification: Likely pathogenic for Nemaline myopathy. Last evaluated: 2025-02-24. Review status: criteria provided, single submitter. Criteria: ACMG Guidelines, 2015. Collection method: curation. Allele origin: germline. Inheritance: Autosomal recessive inheritance.
Comment: The p.Tyr8367Ter variant in NEB has been reported in one individual with nemaline myopathy (PMID: 12207938), and has been identified in 0.000085% (1/1172080) of European (non-Finnish) chromosomes by the Genome Aggregation Database (gnomAD). Although this variant has been seen in the general population in a heterozygous state, its frequency is low enough to be consistent with a recessive carrier frequency. This variant is predicted to cause a frameshift, which alters the protein‚Äôs amino acid sequence beginning at position 8367 and leads to a premature termination codon. This alteration is then predicted to lead to a truncated or absent protein. Loss of function of the NEB gene is an established disease mechanism in autosomal recessive nemaline myopathy. In summary, although additional studies are required to fully establish its clinical significance, this variant is likely pathogenic for autosomal recessive nemaline myopathy. ACMG/AMP Criteria applied: PVS1, PM2_supporting (Richards 2015).

NM_001164508.2(NEB):c.25100_25101del (p.Asp8366_Tyr8367insTer)

Genes: NEB (nebulin; minus strand), RIF1 (replication timing regulatory factor 1; plus strand). Cytogenetic location: 2q23.3.
Variant type: Deletion.
Coding change: c.25100_25101del on transcript NM_001164508.2 (MANE Select); coding-DNA positions 25100 to 25101, 2 bases deleted (AT; older notation c.25100_25101delAT).
Protein change: p.Asp8366_Tyr8367insTer.
Molecular consequence: nonsense.
Genome position (GRCh38, 1-based): chr2:151,491,732-151,491,733, AT deleted on the plus strand (AT on the coding strand, the reverse complement: NEB is on the minus strand); deleting any 2 consecutive bases within chr2:151,491,732-151,491,734 gives the same sequence; the c. name uses the placement nearest the transcript's 3' end. VCF-style (leftmost placement, unchanged base first): chr2-151491731-CAT-C. GRCh37 (hg19) VCF-style: chr2-152348245-CAT-C.
Other names: NM_001164508.2:c.25100_25101del; c.25100_25101del, p.Asp8366_Tyr8367insTer (NM_001164507.2); c.25205_25206del, p.Asp8401_Tyr8402insTer (NM_001271208.2); c.19532_19533del, p.Asp6510_Tyr6511insTer (NM_004543.5).
Identifiers: ClinVar variation 3776956 (VCV003776956.1).